The following is an entry in ClinVar:

ClinVar aggregate classification (germline): Uncertain significance (1 of 4 stars; one submission).

Conditions:
Hereditary spastic paraplegia 73. Also called: Spastic paraplegia 73, autosomal dominant. Identifiers: Orphanet 444099, MedGen C5568981, MONDO:0014568, OMIM 616282.

Allele frequency attached by ClinVar (database versions not stated): gnomAD exomes below 0.00001 and 0.00001; ExAC 0.00001; gnomAD 0.00001.
gnomAD v4.1: 3 of 1,614,016 alleles (0.00019%); highest among the groups gnomAD compares: Middle Eastern, 0.016%; no homozygotes.

Submission:

Labcorp Genetics (formerly Invitae), Labcorp
Classification: Uncertain significance for Hereditary spastic paraplegia 73. Last evaluated: 2021-10-08. Review status: criteria provided, single submitter. Criteria: Invitae Variant Classification Sherloc (09022015). Collection method: clinical testing. Allele origin: germline.
Comment: This sequence change replaces alanine with valine at codon 68 of the CPT1C protein (p.Ala68Val). The alanine residue is weakly conserved and there is a small physicochemical difference between alanine and valine. This variant is present in population databases (rs780566514, ExAC 0.009%). This variant has not been reported in the literature in individuals affected with CPT1C-related conditions. Algorithms developed to predict the effect of missense changes on protein structure and function (SIFT, PolyPhen-2, Align-GVGD) all suggest that this variant is likely to be tolerated. In summary, the available evidence is currently insufficient to determine the role of this variant in disease. Therefore, it has been classified as a Variant of Uncertain Significance.

NM_001199753.2(CPT1C):c.203C>T (p.Ala68Val)

Gene: CPT1C (carnitine palmitoyltransferase 1C; plus strand). Cytogenetic location: 19q13.33.
Variant type: single nucleotide variant.
Coding change: c.203C>T on transcript NM_001199753.2 (MANE Select); coding-DNA position 203, C replaced by T.
Protein change: p.Ala68Val; replaces alanine 68 with valine.
Molecular consequence: missense variant. On other transcripts: non-coding transcript variant (1).
Genome position (GRCh38, 1-based): chr19:49,697,387, C>T. VCF-style: chr19-49697387-C-T. GRCh37 (hg19) VCF-style: chr19-50200644-C-T.
Other names: c.203C>T, p.Ala68Val (NM_001136052.3, NM_001199752.3, NM_001378482.1 and 7 more transcripts); short protein forms A68V.
Identifiers: ClinVar variation 1475902 (VCV001475902.6), dbSNP rs780566514, ClinGen allele CA9581715.